The following is an entry in ClinVar:

NM_000372.5(TYR):c.1027A>G (p.Thr343Ala)

Gene: TYR (tyrosinase; plus strand). Cytogenetic location: 11q14.3.
Variant type: single nucleotide variant.
Coding change: c.1027A>G on transcript NM_000372.5 (MANE Select); coding-DNA position 1027, A replaced by G.
Protein change: p.Thr343Ala; replaces threonine 343 with alanine.
Molecular consequence: missense variant.
Genome position (GRCh38, 1-based): chr11:89,191,409, A>G. VCF-style: chr11-89191409-A-G. GRCh37 (hg19) VCF-style: chr11-88924577-A-G.
Other names: c.1027A>G (NM_000372.4); short protein forms T343A.
Identifiers: ClinVar variation 1431186 (VCV001431186.6), dbSNP rs1172024364, ClinGen allele CA382036103.

ClinVar aggregate classification (germline): Uncertain significance. Review status: criteria provided, multiple submitters, no conflicts (2 of 4 stars). 2 submissions from 2 submitters: Uncertain significance (2). Last evaluated 2025-10-30.

Conditions:
Inborn genetic diseases. Identifiers: MedGen C0950123, MeSH D030342.

Allele frequency attached by ClinVar (database versions not stated): gnomAD exomes below 0.00001.
gnomAD v4.1: 1 of 1,613,452 alleles (0.000062%); highest among the groups gnomAD compares: Non-Finnish European, 0.000085%; no homozygotes.

Submissions (2):

Ambry Genetics
Classification: Uncertain significance for Inborn genetic diseases. Last evaluated: 2025-10-30. Review status: criteria provided, single submitter. Criteria: Ambry Variant Classification Scheme 2023. Collection method: clinical testing. Allele origin: germline.

Labcorp Genetics (formerly Invitae), Labcorp
Classification: Uncertain significance. Last evaluated: 2021-09-17. Review status: criteria provided, single submitter. Criteria: Invitae Variant Classification Sherloc (09022015). Collection method: clinical testing. Allele origin: germline.
Comment: This sequence change replaces threonine with alanine at codon 343 of the TYR protein (p.Thr343Ala). The threonine residue is moderately conserved and there is a small physicochemical difference between threonine and alanine. This variant is not present in population databases (ExAC no frequency). This variant has not been reported in the literature in individuals affected with TYR-related conditions. Advanced modeling of protein sequence and biophysical properties (such as structural, functional, and spatial information, amino acid conservation, physicochemical variation, residue mobility, and thermodynamic stability) performed at Invitae indicates that this missense variant is expected to disrupt TYR protein function. In summary, the available evidence is currently insufficient to determine the role of this variant in disease. Therefore, it has been classified as a Variant of Uncertain Significance.